The following is an entry in ClinVar:

ClinVar aggregate classification (germline): Uncertain significance (1 of 4 stars; one submission).

Conditions:
Hereditary spastic paraplegia 11. Also called: Spastic paraplegia, mental retardation and thin corpus callosum; Nakamura Osame syndrome; Autosomal recessive hereditary spastic paraplegia, mental impairment, and thin corpus callosum; SPASTIC PARAPLEGIA, AUTOSOMAL RECESSIVE, COMPLICATED, WITH THIN CORPUS CALLOSUM; SPASTIC PARAPLEGIA, AUTOSOMAL RECESSIVE, WITH MENTAL IMPAIRMENT AND THIN CORPUS CALLOSUM; Spastic Paraplegia 11. Identifiers: Orphanet 2822, MedGen C1858479, MONDO:0011445, OMIM 604360.

Submission:

Labcorp Genetics (formerly Invitae), Labcorp
Classification: Uncertain significance for Hereditary spastic paraplegia 11. Last evaluated: 2022-12-04. Review status: criteria provided, single submitter. Criteria: Invitae Variant Classification Sherloc (09022015). Collection method: clinical testing. Allele origin: germline.
Comment: In summary, the available evidence is currently insufficient to determine the role of this variant in disease. Therefore, it has been classified as a Variant of Uncertain Significance. Advanced modeling of protein sequence and biophysical properties (such as structural, functional, and spatial information, amino acid conservation, physicochemical variation, residue mobility, and thermodynamic stability) performed at Invitae indicates that this missense variant is not expected to disrupt SPG11 protein function. ClinVar contains an entry for this variant (Variation ID: 660777). This variant has not been reported in the literature in individuals affected with SPG11-related conditions. This variant is not present in population databases (gnomAD no frequency). This sequence change replaces glycine, which is neutral and non-polar, with valine, which is neutral and non-polar, at codon 459 of the SPG11 protein (p.Gly459Val).

NM_025137.4(SPG11):c.1376G>T (p.Gly459Val)

Gene: SPG11 (SPG11 vesicle trafficking associated, spatacsin; minus strand). Cytogenetic location: 15q21.1.
Variant type: single nucleotide variant.
Coding change: c.1376G>T on transcript NM_025137.4 (MANE Select); coding-DNA position 1376, G replaced by T.
Protein change: p.Gly459Val; replaces glycine 459 with valine.
Molecular consequence: missense variant.
Genome position (GRCh38, 1-based): chr15:44,651,571, C>A on the plus strand (G>T on the coding strand, the complement: SPG11 is on the minus strand). VCF-style: chr15-44651571-C-A. GRCh37 (hg19) VCF-style: chr15-44943769-C-A.
Other names: c.1376G>T, p.Gly459Val (NM_001160227.2); short protein forms G459V.
Identifiers: ClinVar variation 660777 (VCV000660777.8), dbSNP rs1595927055, ClinGen allele CA392235974.